The following is an entry in ClinVar:

NM_016333.4(SRRM2):c.8201_8212dup (p.Glu2737_Thr2738insSerArgArgGlu)

Gene: SRRM2 (serine/arginine repetitive matrix 2; plus strand). Cytogenetic location: 16p13.3.
Variant type: Duplication.
Coding change: c.8201_8212dup on transcript NM_016333.4 (MANE Select); coding-DNA positions 8201 to 8212, 12 bases duplicated (GCAGGAGGGAGA).
Protein change: p.Glu2737_Thr2738insSerArgArgGlu.
Molecular consequence: inframe insertion.
Genome position (GRCh38, 1-based): chr16:2,770,669-2,770,680, GCAGGAGGGAGA duplicated. VCF-style (leftmost placement, unchanged base first): chr16-2770668-C-CGCAGGAGGGAGA. GRCh37 (hg19) VCF-style: chr16-2820669-C-CGCAGGAGGGAGA.
Identifiers: ClinVar variation 4823798 (VCV004823798.4).

ClinVar aggregate classification (germline): Uncertain significance (1 of 4 stars; one submission).

Submission:

CeGaT Center for Human Genetics Tuebingen
Classification: Uncertain significance. Last evaluated: 2026-03-01. Review status: criteria provided, single submitter. Criteria: CeGaT Center For Human Genetics Tuebingen Variant Classification Criteria Version 2. Collection method: clinical testing. Allele origin: germline. Affected: yes. Observed: 1 variant allele.
Comment: SRRM2: PM2, PM4